The following is an entry in ClinVar:

NM_000155.4(GALT):c.958G>A (p.Ala320Thr)

Gene: GALT (galactose-1-phosphate uridylyltransferase; plus strand). Cytogenetic location: 9p13.3.
Variant type: single nucleotide variant.
Coding change: c.958G>A on transcript NM_000155.4 (MANE Select); coding-DNA position 958, G replaced by A.
Protein change: p.Ala320Thr; replaces alanine 320 with threonine.
Molecular consequence: missense variant.
Genome position (GRCh38, 1-based): chr9:34,649,463, G>A. VCF-style: chr9-34649463-G-A. GRCh37 (hg19) VCF-style: chr9-34649460-G-A.
Other names: c.631G>A, p.Ala211Thr (NM_001258332.2); short protein forms A211T.
Identifiers: ClinVar variation 25298 (VCV000025298.21), dbSNP rs111033795, ClinGen allele CA259544.

ClinVar aggregate classification (germline): Conflicting classifications of pathogenicity. Review status: criteria provided, conflicting classifications (1 of 4 stars). 6 submissions from 6 submitters: Pathogenic (4); Uncertain significance (1). 1 of the submissions does not count toward it. Last evaluated 2025-12-04.

Conditions:
Galactosemia. Also called: Galactose intolerance. Identifiers: Orphanet 352, MedGen C0016952, MONDO:0018116, HP:0004919. Disease mechanism: loss of function.
Deficiency of UDPglucose-hexose-1-phosphate uridylyltransferase. Also called: GALACTOSE-1-PHOSPHATE URIDYLYLTRANSFERASE DEFICIENCY; GALT deficiency; Galactosemia, classic; Transferase Deficiency Galactosemia; GALACTOSEMIA I. Identifiers: Orphanet 352, Orphanet 79239, MedGen C0268151, MONDO:0009258, OMIM 230400.

Allele frequency attached by ClinVar (database versions not stated): gnomAD exomes 0.00001; ExAC 0.00001; gnomAD 0.00001; TOPMed 0.00001.

Submissions (6):

Natera, Inc.
Classification: Pathogenic for Galactosemia. Last evaluated: 2025-12-04. Review status: criteria provided, single submitter. Criteria: Natera Variant Classification Schema (03/2026). Collection method: clinical testing. Allele origin: germline.
Comment: The c.958G>A variant in GALT is a missense variant predicted to cause substitution of alanine to threonine at amino acid 320. This variant is rare in the general population with a frequency below the threshold expected for the associated phenotype(s). This variant has been observed in one or more individuals affected with the associated recessive disease, as either homozygous or compound heterozygous with a second variant (PMID: 31194682, 28644047, 18684449). Additionally, this variant has been observed to segregate in affected family members (PMID: 31194682). Computational prediction algorithms indicate this variant is likely to affect gene or protein function. Given the available evidence, this variant is classified as Pathogenic.

Women's Health and Genetics/Laboratory Corporation of America, LabCorp
Classification: Pathogenic for Deficiency of UDPglucose-hexose-1-phosphate uridylyltransferase. Last evaluated: 2024-09-13. Review status: criteria provided, single submitter. Criteria: LabCorp Variant Classification Summary - May 2015. Collection method: clinical testing. Allele origin: germline.
Comment: Variant summary: GALT c.958G>A (p.Ala320Thr) results in a non-conservative amino acid change located in the Galactose-1-phosphate uridyl transferase, C-terminal domain (IPR005850) of the encoded protein sequence. Five of five in-silico tools predict a damaging effect of the variant on protein function. The variant allele was found at a frequency of 1.2e-05 in 251454 control chromosomes. c.958G>A has been reported in the literature in multiple individuals affected with Galactosemia (e.g. Elsas_1995, Seyrantepe_1999, Zekanowski_1999, Bosch_2005, Mirzajani_2006, Sanders_2009, Ozgul_2013, Schulpis_2017). These data indicate that the variant is very likely to be associated with disease. The following publications have been ascertained in the context of this evaluation (PMID: 28644047, 15841485, 18684449, 7887416, 10220154, 10399107, 16765930, 23924834). ClinVar contains an entry for this variant (Variation ID: 25298). Based on the evidence outlined above, the variant was classified as pathogenic.

Baylor Genetics
Classification: Pathogenic for Deficiency of UDPglucose-hexose-1-phosphate uridylyltransferase. Last evaluated: 2023-12-26. Review status: criteria provided, single submitter. Criteria: ACMG Guidelines, 2015. Collection method: clinical testing. Allele origin: unknown.

Labcorp Genetics (formerly Invitae), Labcorp
Classification: Pathogenic for Deficiency of UDPglucose-hexose-1-phosphate uridylyltransferase. Last evaluated: 2023-09-26. Review status: criteria provided, single submitter. Criteria: Invitae Variant Classification Sherloc (09022015). Collection method: clinical testing. Allele origin: germline.
Comment: This sequence change replaces alanine, which is neutral and non-polar, with threonine, which is neutral and polar, at codon 320 of the GALT protein (p.Ala320Thr). This variant is present in population databases (rs111033795, gnomAD 0.003%). This missense change has been observed in individual(s) with galactosemia (PMID: 10220154, 10399107, 11397328, 16765930, 17876724, 25268296). ClinVar contains an entry for this variant (Variation ID: 25298). Advanced modeling of protein sequence and biophysical properties (such as structural, functional, and spatial information, amino acid conservation, physicochemical variation, residue mobility, and thermodynamic stability) performed at Invitae indicates that this missense variant is expected to disrupt GALT protein function. For these reasons, this variant has been classified as Pathogenic.

Eurofins Ntd Llc (ga)
Classification: Uncertain significance. Last evaluated: 2016-04-19. Review status: criteria provided, single submitter. Criteria: EGL Classification Definitions 2015. Collection method: clinical testing. Allele origin: germline. Observed: 1 variant allele, 1 heterozygote.

Counsyl
Classification: Likely pathogenic for Deficiency of UDPglucose-hexose-1-phosphate uridylyltransferase. Last evaluated: 2016-05-25. Review status: no assertion criteria provided. Collection method: clinical testing. Allele origin: unknown. Not counted in ClinVar's aggregate classification.

Literature cited by the submitters: PubMed 31194682 (cited by Natera, Inc.); PubMed 28644047 (cited by Natera, Inc. and Women's Health and Genetics/Laboratory Corporation of America, LabCorp); PubMed 18684449 (cited by Natera, Inc. and Women's Health and Genetics/Laboratory Corporation of America, LabCorp); PubMed 15841485 (cited by Women's Health and Genetics/Laboratory Corporation of America, LabCorp); PubMed 10399107 (cited by 3 submitters); PubMed 7887416 (cited by Women's Health and Genetics/Laboratory Corporation of America, LabCorp and Eurofins Ntd Llc (ga)); PubMed 10220154 (cited by 3 submitters); PubMed 16765930 (cited by Women's Health and Genetics/Laboratory Corporation of America, LabCorp and Labcorp Genetics (formerly Invitae), Labcorp); PubMed 23924834 (cited by 3 submitters); PubMed 11397328 (cited by Labcorp Genetics (formerly Invitae), Labcorp); PubMed 17876724 (cited by Labcorp Genetics (formerly Invitae), Labcorp); PubMed 25268296 (cited by Labcorp Genetics (formerly Invitae), Labcorp); PubMed 23690308 (cited by Counsyl).